The following is an entry in ClinVar:

ClinVar aggregate classification (germline): Uncertain significance. Review status: criteria provided, single submitter (1 of 4 stars). 2 submissions from 2 submitters: Uncertain significance (1). 1 of the submissions does not count toward it. Last evaluated 2025-04-09.

Conditions:
RAI1-related disorder. Also called: RAI1-related condition.

Allele frequency attached by ClinVar (database versions not stated): ExAC 0.00001.
gnomAD v4.1: 13 of 1,611,952 alleles (0.00081%); highest among the groups gnomAD compares: East Asian, 0.0022%; no homozygotes.

Submissions (2):

Labcorp Genetics (formerly Invitae), Labcorp
Classification: Uncertain significance. Last evaluated: 2025-04-09. Review status: criteria provided, single submitter. Criteria: Invitae Variant Classification Sherloc (09022015). Collection method: clinical testing. Allele origin: germline.
Comment: This sequence change replaces proline, which is neutral and non-polar, with arginine, which is basic and polar, at codon 1231 of the RAI1 protein (p.Pro1231Arg). This variant is present in population databases (rs763945694, gnomAD 0.007%). This variant has not been reported in the literature in individuals affected with RAI1-related conditions. ClinVar contains an entry for this variant (Variation ID: 2916938). Invitae Evidence Modeling of protein sequence and biophysical properties (such as structural, functional, and spatial information, amino acid conservation, physicochemical variation, residue mobility, and thermodynamic stability) indicates that this missense variant is expected to disrupt RAI1 protein function with a positive predictive value of 80%. In summary, the available evidence is currently insufficient to determine the role of this variant in disease. Therefore, it has been classified as a Variant of Uncertain Significance.

PreventionGenetics, part of Exact Sciences
Classification: Uncertain significance for RAI1-related condition. Last evaluated: 2024-04-10. Review status: no assertion criteria provided. Collection method: clinical testing. Allele origin: germline. Not counted in ClinVar's aggregate classification.
Comment: The RAI1 c.3692C>G variant is predicted to result in the amino acid substitution p.Pro1231Arg. To our knowledge, this variant has not been reported in the literature. This variant is reported in 0.0062% of alleles in individuals of African descent in gnomAD. At this time, the clinical significance of this variant is uncertain due to the absence of conclusive functional and genetic evidence.

NM_030665.4(RAI1):c.3692C>G (p.Pro1231Arg)

Gene: RAI1 (retinoic acid induced 1; plus strand). Cytogenetic location: 17p11.2.
Variant type: single nucleotide variant.
Coding change: c.3692C>G on transcript NM_030665.4 (MANE Select); coding-DNA position 3692, C replaced by G.
Protein change: p.Pro1231Arg; replaces proline 1231 with arginine.
Molecular consequence: missense variant.
Genome position (GRCh38, 1-based): chr17:17,796,640, C>G. VCF-style: chr17-17796640-C-G. GRCh37 (hg19) VCF-style: chr17-17699954-C-G.
Other names: c.3692C>G (NM_030665.3); short protein forms P1231R.
Identifiers: ClinVar variation 2916938 (VCV002916938.4), dbSNP rs763945694, ClinGen allele CA8418788.